The following is an entry in ClinVar:

ClinVar aggregate classification (germline): Uncertain significance (1 of 4 stars; one submission).

Submission:

CeGaT Center for Human Genetics Tuebingen
Classification: Uncertain significance. Last evaluated: 2023-11-01. Review status: criteria provided, single submitter. Criteria: CeGaT Center For Human Genetics Tuebingen Variant Classification Criteria Version 2. Collection method: clinical testing. Allele origin: germline. Affected: yes. Observed: 1 variant allele.
Comment: EXO1: PM2

NM_130398.4(EXO1):c.458C>T (p.Ala153Val)

Gene: EXO1 (exonuclease 1; plus strand). Cytogenetic location: 1q43.
Variant type: single nucleotide variant.
Coding change: c.458C>T on transcript NM_130398.4 (MANE Select); coding-DNA position 458, C replaced by T.
Protein change: p.Ala153Val; replaces alanine 153 with valine.
Molecular consequence: missense variant.
Genome position (GRCh38, 1-based): chr1:241,857,397, C>T. VCF-style: chr1-241857397-C-T. GRCh37 (hg19) VCF-style: chr1-242020699-C-T.
Other names: c.458C>T, p.Ala153Val (NM_001319224.2, NM_003686.4, NM_006027.4); short protein forms A153V.
Identifiers: ClinVar variation 2672390 (VCV002672390.23), dbSNP rs143955774, ClinGen allele CA345448225.